The following is an entry in ClinVar:

NM_000548.5(TSC2):c.5170C>A (p.Gln1724Lys)

Gene: TSC2 (TSC complex subunit 2; plus strand). Cytogenetic location: 16p13.3.
Variant type: single nucleotide variant.
Coding change: c.5170C>A on transcript NM_000548.5 (MANE Select); coding-DNA position 5170, C replaced by A.
Protein change: p.Gln1724Lys; replaces glutamine 1724 with lysine.
Molecular consequence: missense variant. On other transcripts: intron variant (1).
Genome position (GRCh38, 1-based): chr16:2,088,236, C>A. VCF-style: chr16-2088236-C-A. GRCh37 (hg19) VCF-style: chr16-2138237-C-A.
Other names: c.4969C>A, p.Gln1657Lys (NM_001077183.3); c.5101C>A, p.Gln1701Lys (NM_001114382.3); c.4861C>A, p.Gln1621Lys (NM_001318827.2); c.4825C>A, p.Gln1609Lys (NM_001318829.2); c.4438C>A, p.Gln1480Lys (NM_001318831.2); c.5002C>A, p.Gln1668Lys (NM_001318832.2); c.4972C>A, p.Gln1658Lys (NM_001363528.2); c.5038C>A, p.Gln1680Lys (NM_001370404.1); and 2 more; short protein forms Q1658K, Q1681K, Q1724K, Q1621K, Q1701K, Q1657K, Q1668K, Q1680K.
Identifiers: ClinVar variation 1436299 (VCV001436299.8), dbSNP rs45472701, ClinGen allele CA394313908.

ClinVar aggregate classification (germline): Uncertain significance (1 of 4 stars; one submission).

Conditions:
Tuberous sclerosis 2 (TSC2). Identifiers: Orphanet 805, MedGen C1860707, MONDO:0013199, OMIM 613254.

Allele frequency attached by ClinVar (database versions not stated): TOPMed below 0.00001.

Submission:

Labcorp Genetics (formerly Invitae), Labcorp
Classification: Uncertain significance for Tuberous sclerosis 2. Last evaluated: 2021-01-15. Review status: criteria provided, single submitter. Criteria: Invitae Variant Classification Sherloc (09022015). Collection method: clinical testing. Allele origin: germline.
Comment: In summary, the available evidence is currently insufficient to determine the role of this variant in disease. Therefore, it has been classified as a Variant of Uncertain Significance. Advanced modeling of protein sequence and biophysical properties (such as structural, functional, and spatial information, amino acid conservation, physicochemical variation, residue mobility, and thermodynamic stability) performed at Invitae indicates that this missense variant is not expected to disrupt TSC2 protein function. This variant has not been reported in the literature in individuals with TSC2-related conditions. This variant is not present in population databases (ExAC no frequency). This sequence change replaces glutamine with lysine at codon 1724 of the TSC2 protein (p.Gln1724Lys). The glutamine residue is moderately conserved and there is a small physicochemical difference between glutamine and lysine.